The following is an entry in ClinVar:

ClinVar aggregate classification (germline): Uncertain significance (1 of 4 stars; one submission).

Conditions:
Hereditary cancer-predisposing syndrome. Also called: Neoplastic Syndromes, Hereditary; Tumor predisposition; Hereditary Cancer Syndrome; Hereditary neoplastic syndrome. Identifiers: Orphanet 140162, MedGen C0027672, MeSH D009386, MONDO:0015356.

Submission:

Ambry Genetics
Classification: Uncertain significance for Hereditary cancer-predisposing syndrome. Last evaluated: 2021-12-11. Review status: criteria provided, single submitter. Criteria: Ambry Variant Classification Scheme 2023. Collection method: clinical testing. Allele origin: germline.
Comment: The p.L1195F variant (also known as c.3585G>T), located in coding exon 19 of the BRIP1 gene, results from a G to T substitution at nucleotide position 3585. The leucine at codon 1195 is replaced by phenylalanine, an amino acid with highly similar properties. This amino acid position is conserved. In addition, this alteration is predicted to be tolerated by in silico analysis. Since supporting evidence is limited at this time, the clinical significance of this alteration remains unclear.

NM_032043.3(BRIP1):c.3585G>T (p.Leu1195Phe)

Gene: BRIP1 (BRCA1 interacting DNA helicase 1; minus strand). Cytogenetic location: 17q23.2.
Variant type: single nucleotide variant.
Coding change: c.3585G>T on transcript NM_032043.3 (MANE Select); coding-DNA position 3585, G replaced by T.
Protein change: p.Leu1195Phe; replaces leucine 1195 with phenylalanine.
Molecular consequence: missense variant.
Genome position (GRCh38, 1-based): chr17:61,683,461, C>A on the plus strand (G>T on the coding strand, the complement: BRIP1 is on the minus strand). VCF-style: chr17-61683461-C-A. GRCh37 (hg19) VCF-style: chr17-59760822-C-A.
Other names: short protein forms L1195F.
Identifiers: ClinVar variation 1732937 (VCV001732937.2), dbSNP rs2061301182, ClinGen allele CA400478149.